The following is an entry in ClinVar:

ClinVar aggregate classification (germline): Uncertain significance. Review status: criteria provided, multiple submitters, no conflicts (2 of 4 stars). 3 submissions from 3 submitters: Uncertain significance (3). Last evaluated 2024-02-09.

Conditions:
Nephrotic syndrome, type 6 (NPHS6). Identifiers: Orphanet 656, MedGen C3280100, MONDO:0013619, OMIM 614196.

Allele frequency attached by ClinVar (database versions not stated): ExAC 0.00012; gnomAD exomes 0.00013 and 0.00021; ESP Exome Variant Server 0.00015; 1000 Genomes Project 30x 0.00016; TOPMed 0.00017; 1000 Genomes Project 0.00020; gnomAD 0.00020 and 0.00022.
gnomAD v4.1: 331 of 1,610,194 alleles (0.021%); highest among the groups gnomAD compares: Non-Finnish European, 0.026%; no homozygotes.

Submissions (3):

Fulgent Genetics
Classification: Uncertain significance for Nephrotic syndrome, type 6. Last evaluated: 2024-02-09. Review status: criteria provided, single submitter. Criteria: ACMG Guidelines, 2015. Collection method: clinical testing. Allele origin: germline.

Labcorp Genetics (formerly Invitae), Labcorp
Classification: Uncertain significance. Last evaluated: 2021-12-24. Review status: criteria provided, single submitter. Criteria: Invitae Variant Classification Sherloc (09022015). Collection method: clinical testing. Allele origin: germline.
Comment: This sequence change replaces methionine, which is neutral and non-polar, with isoleucine, which is neutral and non-polar, at codon 537 of the PTPRO protein (p.Met537Ile). This variant is present in population databases (rs141255287, gnomAD 0.02%). This variant has not been reported in the literature in individuals affected with PTPRO-related conditions. Algorithms developed to predict the effect of missense changes on protein structure and function (SIFT, PolyPhen-2, Align-GVGD) all suggest that this variant is likely to be tolerated. In summary, the available evidence is currently insufficient to determine the role of this variant in disease. Therefore, it has been classified as a Variant of Uncertain Significance.

Ambry Genetics
Classification: Uncertain significance. Last evaluated: 2021-06-18. Review status: criteria provided, single submitter. Criteria: Ambry Variant Classification Scheme 2023. Collection method: clinical testing. Allele origin: germline.

NM_030667.3(PTPRO):c.1611G>T (p.Met537Ile)

Gene: PTPRO (protein tyrosine phosphatase receptor type O; plus strand). Cytogenetic location: 12p12.3.
Variant type: single nucleotide variant.
Coding change: c.1611G>T on transcript NM_030667.3 (MANE Select); coding-DNA position 1611, G replaced by T.
Protein change: p.Met537Ile; replaces methionine 537 with isoleucine.
Molecular consequence: missense variant.
Genome position (GRCh38, 1-based): chr12:15,516,788, G>T. VCF-style: chr12-15516788-G-T. GRCh37 (hg19) VCF-style: chr12-15669722-G-T.
Other names: c.1611G>T, p.Met537Ile (NM_002848.4); c.1611G>T (NM_030667.2); short protein forms M537I.
Identifiers: ClinVar variation 1477792 (VCV001477792.6), dbSNP rs141255287, ClinGen allele CA6466567.